The following is an entry in ClinVar:

NM_000130.5(F5):c.510C>T (p.His170=)

Gene: F5 (coagulation factor V; minus strand). Cytogenetic location: 1q24.2.
Variant type: single nucleotide variant.
Coding change: c.510C>T on transcript NM_000130.5 (MANE Select); coding-DNA position 510, C replaced by T.
Protein change: p.His170=; no amino-acid change (histidine 170 retained).
Molecular consequence: synonymous variant.
Genome position (GRCh38, 1-based): chr1:169,560,630, G>A on the plus strand (C>T on the coding strand, the complement: F5 is on the minus strand). VCF-style: chr1-169560630-G-A. GRCh37 (hg19) VCF-style: chr1-169529868-G-A.
Identifiers: ClinVar variation 2587171 (VCV002587171.29), dbSNP rs375660526, ClinGen allele CA1234595.

ClinVar aggregate classification (germline): Likely benign. Review status: criteria provided, multiple submitters, no conflicts (2 of 4 stars). 4 submissions from 4 submitters: Likely benign (3). 1 of the submissions does not count toward it. Last evaluated 2024-03-21.

Conditions:
Congenital factor V deficiency. Also called: LABILE FACTOR DEFICIENCY; OWREN PARAHEMOPHILIA; PARAHEMOPHILIA; Hereditary factor V deficiency disease. Identifiers: Orphanet 326, MedGen C0015499, MONDO:0009210, OMIM 227400.
F5-related disorder. Also called: F5-related condition.
Inborn genetic diseases. Identifiers: MedGen C0950123, MeSH D030342.

Allele frequency attached by ClinVar (database versions not stated): ExAC 0.00004; ESP Exome Variant Server 0.00015; gnomAD 0.00015; TOPMed 0.00029.
gnomAD v4.1: 74 of 1,613,802 alleles (0.0046%); highest among the groups gnomAD compares: African/African-American, 0.073%; no homozygotes.

Submissions (4):

Labcorp Genetics (formerly Invitae), Labcorp
Classification: Likely benign for Congenital factor V deficiency. Last evaluated: 2024-03-21. Review status: criteria provided, single submitter. Criteria: Invitae Variant Classification Sherloc (09022015). Collection method: clinical testing. Allele origin: germline.

CeGaT Center for Human Genetics Tuebingen
Classification: Likely benign. Last evaluated: 2023-11-01. Review status: criteria provided, single submitter. Criteria: CeGaT Center For Human Genetics Tuebingen Variant Classification Criteria Version 2. Collection method: clinical testing. Allele origin: germline. Affected: yes. Observed: 1 variant allele.
Comment: F5: BP4, BP7

Ambry Genetics
Classification: Likely benign for Inborn genetic diseases. Last evaluated: 2023-07-30. Review status: criteria provided, single submitter. Criteria: Ambry Variant Classification Scheme 2023. Collection method: clinical testing. Allele origin: germline.

PreventionGenetics, part of Exact Sciences
Classification: Likely benign for F5-related condition. Last evaluated: 2019-09-18. Review status: no assertion criteria provided. Collection method: clinical testing. Allele origin: germline. Not counted in ClinVar's aggregate classification.
Comment: This variant is classified as likely benign based on ACMG/AMP sequence variant interpretation guidelines (Richards et al. 2015 PMID: 25741868, with internal and published modifications).